The following is an entry in ClinVar:

ClinVar aggregate classification (germline): Pathogenic (1 of 4 stars; one submission).

Submission:

Labcorp Genetics (formerly Invitae), Labcorp
Classification: Pathogenic. Last evaluated: 2021-06-01. Review status: criteria provided, single submitter. Criteria: Invitae Variant Classification Sherloc (09022015). Collection method: clinical testing. Allele origin: germline.
Comment: For these reasons, this variant has been classified as Pathogenic. This variant has not been reported in the literature in individuals with SLC22A12-related conditions. This variant is a gross deletion of the genomic region encompassing exon(s) 1 of the SLC22A12 gene, which includes the initiator codon. The 5' end of this event is unknown as it extends beyond the assayed region for this gene and therefore may encompass additional genes. The 3' boundary is likely confined to intron 1 of the SLC22A12 gene. It is expected to result in an absent or disrupted protein product. Loss-of-function variants in SLC22A12 are known to be pathogenic (PMID: 14694169).

Literature cited by the submitters: PubMed 14694169.

NC_000011.9:g.(?_64359029)_(64359450_?)del

Gene: SLC22A12 (solute carrier family 22 member 12; plus strand). Cytogenetic location: 11q13.1.
Variant type: Deletion.
Identifiers: ClinVar variation 1459519 (VCV001459519.4).